The following is an entry in ClinVar:

ClinVar aggregate classification (germline): Uncertain significance. Review status: criteria provided, multiple submitters, no conflicts (2 of 4 stars). 4 submissions from 4 submitters: Uncertain significance (4). Last evaluated 2025-05-07.

Conditions:
COL6A3-related disorder. Also called: COL6A3-related disorders; COL6A3-related condition.
Bethlem myopathy 1A. Also called: MYOPATHY, BENIGN CONGENITAL, WITH CONTRACTURES; Bethlem Muscular Dystrophy; Bethlem myopathy 1. Identifiers: Orphanet 610, MedGen CN029274, MONDO:0024530, OMIM 158810.

Allele frequency attached by ClinVar (database versions not stated): gnomAD 0.00001; gnomAD exomes 0.00001; TOPMed 0.00001; ExAC 0.00002.
gnomAD v4.1: 17 of 1,613,918 alleles (0.0011%); highest among the groups gnomAD compares: Non-Finnish European, 0.0014%; no homozygotes.

Submissions (4):

Labcorp Genetics (formerly Invitae), Labcorp
Classification: Uncertain significance for Bethlem myopathy 1A. Last evaluated: 2025-05-07. Review status: criteria provided, single submitter. Criteria: Invitae Variant Classification Sherloc (09022015). Collection method: clinical testing. Allele origin: germline.
Comment: This sequence change replaces proline, which is neutral and non-polar, with leucine, which is neutral and non-polar, at codon 2278 of the COL6A3 protein (p.Pro2278Leu). This variant is present in population databases (rs773775745, gnomAD 0.003%). This variant has not been reported in the literature in individuals affected with COL6A3-related conditions. ClinVar contains an entry for this variant (Variation ID: 493312). Invitae Evidence Modeling of protein sequence and biophysical properties (such as structural, functional, and spatial information, amino acid conservation, physicochemical variation, residue mobility, and thermodynamic stability) indicates that this missense variant is not expected to disrupt COL6A3 protein function with a negative predictive value of 80%. Algorithms developed to predict the effect of sequence changes on RNA splicing suggest that this variant may disrupt the consensus splice site. In summary, the available evidence is currently insufficient to determine the role of this variant in disease. Therefore, it has been classified as a Variant of Uncertain Significance.

PreventionGenetics, part of Exact Sciences
Classification: Uncertain significance for COL6A3-related condition. Last evaluated: 2023-05-12. Review status: criteria provided, single submitter. Criteria: ACMG Guidelines, 2015. Collection method: clinical testing. Allele origin: germline.
Comment: The COL6A3 c.6833C>T variant is predicted to result in the amino acid substitution p.Pro2278Leu. To our knowledge, this variant has not been reported in the literature. This variant is reported in 0.0026% of alleles in individuals of European (Non-Finnish) descent in gnomAD. At this time, the clinical significance of this variant is uncertain due to the absence of conclusive functional and genetic evidence.

Revvity Omics, Revvity
Classification: Uncertain significance. Last evaluated: 2022-12-20. Review status: criteria provided, single submitter. Criteria: ACMG Guidelines, 2015. Collection method: clinical testing. Allele origin: germline.

CeGaT Center for Human Genetics Tuebingen
Classification: Uncertain significance. Last evaluated: 2017-07-01. Review status: criteria provided, single submitter. Criteria: CeGaT Center For Human Genetics Tuebingen Variant Classification Criteria Version 2. Collection method: clinical testing. Allele origin: germline. Affected: yes. Observed: 1 variant allele.

NM_004369.4(COL6A3):c.6833C>T (p.Pro2278Leu)

Gene: COL6A3 (collagen type VI alpha 3 chain; minus strand). Cytogenetic location: 2q37.3.
Variant type: single nucleotide variant.
Coding change: c.6833C>T on transcript NM_004369.4 (MANE Select); coding-DNA position 6833, C replaced by T.
Protein change: p.Pro2278Leu; replaces proline 2278 with leucine.
Molecular consequence: missense variant.
Genome position (GRCh38, 1-based): chr2:237,350,193, G>A on the plus strand (C>T on the coding strand, the complement: COL6A3 is on the minus strand). VCF-style: chr2-237350193-G-A. GRCh37 (hg19) VCF-style: chr2-238258836-G-A.
Other names: c.5012C>T, p.Pro1671Leu (NM_057166.5); c.6215C>T, p.Pro2072Leu (NM_057167.4); c.6833C>T (NM_004369.3); short protein forms P2278L, P2072L, P1671L.
Identifiers: ClinVar variation 493312 (VCV000493312.52), dbSNP rs773775745, ClinGen allele CA2188067.